The following is an entry in ClinVar:

NM_002458.3(MUC5B):c.13242C>T (p.Thr4414=)

Gene: MUC5B (mucin 5B, oligomeric mucus/gel-forming; plus strand). Cytogenetic location: 11p15.5.
Variant type: single nucleotide variant.
Coding change: c.13242C>T on transcript NM_002458.3 (MANE Select); coding-DNA position 13242, C replaced by T.
Protein change: p.Thr4414=; no amino-acid change (threonine 4414 retained).
Molecular consequence: synonymous variant.
Genome position (GRCh38, 1-based): chr11:1,250,122, C>T. VCF-style: chr11-1250122-C-T. GRCh37 (hg19) VCF-style: chr11-1271352-C-T.
Identifiers: ClinVar variation 4872188 (VCV004872188.2).
Genomic context (GRCh38, chr11:1,250,122, plus strand): 5'-GCTGACCACAGCAGCCACTACAACTGCAGCCACTGGCCCCACGGCCACCCCGTCCTCCAC[C>T]CCAGGGACCACCTGGATCCTCACAGAGCTGACCACAACAGCCACTACGACTGCGTCCACT-3'
Protein context (NP_002449.2, residues 4404-4424): ATGPTATPSS[Thr4414=]PGTTWILTEL

ClinVar aggregate classification (germline): Likely benign (1 of 4 stars; one submission).

Submission:

CeGaT Center for Human Genetics Tuebingen
Classification: Likely benign. Last evaluated: 2026-06-01. Review status: criteria provided, single submitter. Criteria: CeGaT Center For Human Genetics Tuebingen Variant Classification Criteria Version 2. Collection method: clinical testing. Allele origin: germline. Affected: yes. Observed: 1 variant allele.
Comment: MUC5B: PM2:Supporting, BP4, BP7